The following is an entry in ClinVar:

NM_007118.4(TRIO):c.8834C>T (p.Thr2945Met)

Gene: TRIO (trio Rho guanine nucleotide exchange factor; plus strand). Cytogenetic location: 5p15.2.
Variant type: single nucleotide variant.
Coding change: c.8834C>T on transcript NM_007118.4 (MANE Select); coding-DNA position 8834, C replaced by T.
Protein change: p.Thr2945Met; replaces threonine 2945 with methionine.
Molecular consequence: missense variant. On other transcripts: non-coding transcript variant (1).
Genome position (GRCh38, 1-based): chr5:14,507,962, C>T. VCF-style: chr5-14507962-C-T. GRCh37 (hg19) VCF-style: chr5-14508071-C-T.
Other names: short protein forms T2945M.
Identifiers: ClinVar variation 989373 (VCV000989373.4), dbSNP rs574639687, ClinGen allele CA3207994.

ClinVar aggregate classification (germline): Uncertain significance (1 of 4 stars; one submission).

Conditions:
Intellectual developmental disorder, autosomal dominant 44, with microcephaly. Also called: Micrognathia-recurrent infections-behavioral abnormalities-mild intellectual disability syndrome; TRIO-Related Intellectual Disability. Identifiers: Orphanet 476126, MedGen C4310740, MONDO:0014892, OMIM 617061.

Allele frequency attached by ClinVar (database versions not stated): ExAC 0.00003; gnomAD 0.00003 and 0.00002; 1000 Genomes Project 30x 0.00016; 1000 Genomes Project 0.00020; gnomAD exomes 0.00003.
gnomAD v4.1: 54 of 1,614,222 alleles (0.0033%); highest among the groups gnomAD compares: Non-Finnish European, 0.0038%; no homozygotes.

Submission:

Illumina Laboratory Services, Illumina
Classification: Uncertain significance for TRIO-related intellectual disability. Last evaluated: 2019-08-08. Review status: criteria provided, single submitter. Criteria: ICSLVariantClassificationCriteria RUGD 01 April 2020. Collection method: clinical testing. Allele origin: unknown.
Comment: The TRIO c.8834C>T (p.Thr2945Met) variant is a missense variant that has been previously reported as a de novo occurrence in an individual with Lennox-Gastaut syndrome (Epi4K Consortium 2013). This variant is reported at a frequency of 0.000039 in the European (non-Finnish) population of the Genome Aggregation Database. The p.Thr2945Met variant affects the protein kinase domain of TRIO. While protein interactions mediated by this domain have been described (Medley et al. 2003), the involvement of this domain in the disease pathway underlying TRIO-related intellectual disability is unclear, since reduced RAC1 activation has been implicated, and RAC1 regulation is mediated through the first Dbl-homology-Pleckstrin-homology Rho-guanine exchange factor domain. In addition, the TRIO isoform that is most highly expressed in the brain does not include the kinase domain (Katrancha et al. 2017). In silico tools also differ in their predictions of the effect of this variant. Based on the available evidence and the application of the ACMG criteria, the p.Thr2945Met variant is classified as a variant of uncertain significance for TRIO-related intellectual disability.

Literature cited by the submitters: PubMed 12551902; PubMed 23934111; PubMed 28973398.